The following is an entry in ClinVar:

NM_000214.3(JAG1):c.715dup (p.Ser239fs)

Gene: JAG1 (jagged canonical Notch ligand 1; minus strand). Cytogenetic location: 20p12.2.
Variant type: Duplication.
Coding change: c.715dup on transcript NM_000214.3 (MANE Select); coding-DNA position 715, one base duplicated (A; older notation c.715dupA).
Protein change: p.Ser239fs; shifts the reading frame from serine 239.
Molecular consequence: frameshift variant.
Genome position (GRCh38, 1-based): chr20:10,656,438, T duplicated on the plus strand (A on the coding strand, the reverse complement: JAG1 is on the minus strand). VCF-style (leftmost placement, unchanged base first): chr20-10656437-C-CT. GRCh37 (hg19) VCF-style: chr20-10637085-C-CT.
Other names: short protein forms S239fs.
Identifiers: ClinVar variation 2138336 (VCV002138336.4), dbSNP rs2514524480, ClinGen allele CA2580097939.
Genomic context (GRCh38, chr20:10,656,437, plus strand): 5'-ACAAAAGACCAGTTGATTTACCTGCAGTCACCTGGGAGTTTGCAAGACCCATGCTTAGGA[C>CT]TGCAGCCTTGTCGGCAAATAGCTGTAAAAAACAGAGAAGGGCGTGTCAGCACACTGCCTG-3'

ClinVar aggregate classification (germline): Pathogenic (1 of 4 stars; one submission).

Conditions:
Alagille syndrome due to a JAG1 point mutation. Also called: HEPATIC DUCTULAR HYPOPLASIA, SYNDROMATIC; JAG1-Related Alagille Syndrome; Alagille Syndrome 1. Identifiers: Orphanet 261619, Orphanet 52, MedGen C1956125, MONDO:0016862, OMIM 118450.

Submission:

Labcorp Genetics (formerly Invitae), Labcorp
Classification: Pathogenic for Alagille syndrome due to a JAG1 point mutation. Last evaluated: 2024-10-25. Review status: criteria provided, single submitter. Criteria: Invitae Variant Classification Sherloc (09022015). Collection method: clinical testing. Allele origin: germline.
Comment: This sequence change creates a premature translational stop signal (p.Ser239Lysfs*3) in the JAG1 gene. It is expected to result in an absent or disrupted protein product. Loss-of-function variants in JAG1 are known to be pathogenic (PMID: 11180599). This variant is not present in population databases (gnomAD no frequency). This premature translational stop signal has been observed in individual(s) with Alagille syndrome (PMID: 22759690). ClinVar contains an entry for this variant (Variation ID: 2138336). For these reasons, this variant has been classified as Pathogenic.

Literature cited by the submitters: PubMed 11180599; PubMed 22759690.